The following is an entry in ClinVar:

NM_000069.3(CACNA1S):c.2556G>A (p.Thr852=)

Gene: CACNA1S (calcium voltage-gated channel subunit alpha1 S; minus strand). Cytogenetic location: 1q32.1.
Variant type: single nucleotide variant.
Coding change: c.2556G>A on transcript NM_000069.3 (MANE Select); coding-DNA position 2556, G replaced by A.
Protein change: p.Thr852=; no amino-acid change (threonine 852 retained).
Molecular consequence: synonymous variant.
Genome position (GRCh38, 1-based): chr1:201,066,988, C>T on the plus strand (G>A on the coding strand, the complement: CACNA1S is on the minus strand). VCF-style: chr1-201066988-C-T. GRCh37 (hg19) VCF-style: chr1-201036116-C-T.
Identifiers: ClinVar variation 541056 (VCV000541056.11), dbSNP rs1160627876, ClinGen allele CA422687130.

ClinVar aggregate classification (germline): Likely benign. Review status: criteria provided, multiple submitters, no conflicts (2 of 4 stars). 3 submissions from 3 submitters: Likely benign (3). Last evaluated 2025-09-27.

Conditions:
Hypokalemic periodic paralysis, type 1. Also called: HypoPP; Hypokalemic Periodic Paralysis Type 1 (AD). Identifiers: Orphanet 681, MedGen C3714580, MONDO:0042979, OMIM 170400.
Malignant hyperthermia, susceptibility to, 5 (MHS5). Also called: CACNA1S-Related Malignant Hyperthermia Susceptibility. Identifiers: Orphanet 423, MedGen C1866077, MONDO:0011163, OMIM 601887.

Allele frequency attached by ClinVar (database versions not stated): gnomAD exomes below 0.00001; gnomAD 0.00001; TOPMed 0.00001.
gnomAD v4.1: 11 of 1,612,454 alleles (0.00068%); highest among the groups gnomAD compares: African/African-American, 0.0013%; no homozygotes.

Submissions (3):

Labcorp Genetics (formerly Invitae), Labcorp
Classification: Likely benign for Hypokalemic periodic paralysis, type 1; Malignant hyperthermia, susceptibility to, 5. Last evaluated: 2025-09-27. Review status: criteria provided, single submitter. Criteria: Invitae Variant Classification Sherloc (09022015). Collection method: clinical testing. Allele origin: germline.

All of Us Research Program, National Institutes of Health
Classification: Likely benign for Malignant hyperthermia, susceptibility to, 5. Last evaluated: 2023-12-13. Review status: criteria provided, single submitter. Criteria: ACMG Guidelines, 2015. Collection method: clinical testing. Allele origin: germline. Inheritance: Autosomal dominant inheritance. Observed: 3 variant alleles, 3 heterozygotes.
Comment: This study involves interpretation of variants in research participants for the purpose of population health screening. Participant phenotype was not available at the time of variant classification. Additional details can be found in publication PMID: 35346344, PMCID: PMC8962531

Blueprint Genetics
Classification: Likely benign. Last evaluated: 2023-09-15. Review status: criteria provided, single submitter. Criteria: ACMG Guidelines, 2015. Collection method: clinical testing. Allele origin: germline.